The following is an entry in ClinVar:

ClinVar aggregate classification (germline): Conflicting classifications of pathogenicity. Review status: criteria provided, conflicting classifications (1 of 4 stars). 2 submissions from 2 submitters: Uncertain significance (1); Likely benign (1). Last evaluated 2025-08-19.

Conditions:
Multiple endocrine neoplasia, type 2 (MEN2). Identifiers: Orphanet 653, MedGen C4048306, MONDO:0019003. Disease mechanism: gain of function.
Hereditary cancer-predisposing syndrome. Also called: Hereditary neoplastic syndrome; Hereditary Cancer Syndrome; Neoplastic Syndromes, Hereditary; Tumor predisposition. Identifiers: Orphanet 140162, MedGen C0027672, MeSH D009386, MONDO:0015356.

Submissions (2):

Ambry Genetics
Classification: Likely benign for Hereditary cancer-predisposing syndrome. Last evaluated: 2025-08-19. Review status: criteria provided, single submitter. Criteria: Ambry Variant Classification Scheme 2023. Collection method: clinical testing. Allele origin: germline.

Labcorp Genetics (formerly Invitae), Labcorp
Classification: Uncertain significance for Multiple endocrine neoplasia, type 2. Last evaluated: 2023-10-30. Review status: criteria provided, single submitter. Criteria: Invitae Variant Classification Sherloc (09022015). Collection method: clinical testing. Allele origin: germline.
Comment: This sequence change replaces proline, which is neutral and non-polar, with serine, which is neutral and polar, at codon 320 of the RET protein (p.Pro320Ser). This variant is not present in population databases (gnomAD no frequency). This variant has not been reported in the literature in individuals affected with RET-related conditions. Algorithms developed to predict the effect of missense changes on protein structure and function output the following: SIFT: "Not Available"; PolyPhen-2: "Benign"; Align-GVGD: "Not Available". The serine amino acid residue is found in multiple mammalian species, which suggests that this missense change does not adversely affect protein function. In summary, the available evidence is currently insufficient to determine the role of this variant in disease. Therefore, it has been classified as a Variant of Uncertain Significance.

NM_020975.6(RET):c.958C>T (p.Pro320Ser)

Gene: RET (ret proto-oncogene; plus strand). Cytogenetic location: 10q11.21.
Variant type: single nucleotide variant.
Coding change: c.958C>T on transcript NM_020975.6 (MANE Select); coding-DNA position 958, C replaced by T.
Protein change: p.Pro320Ser; replaces proline 320 with serine.
Molecular consequence: missense variant. On other transcripts: intron variant (25).
Genome position (GRCh38, 1-based): chr10:43,106,466, C>T. VCF-style: chr10-43106466-C-T. GRCh37 (hg19) VCF-style: chr10-43601914-C-T.
Other names: c.958C>T, p.Pro320Ser (NM_000323.2, NM_001406743.1, NM_001406744.1 and 6 more transcripts); c.196C>T, p.Pro66Ser (NM_001355216.2); c.829C>T, p.Pro277Ser (NM_001406761.1, NM_001406762.1, NM_001406764.1 and 1 more transcripts); c.670C>T, p.Pro224Ser (NM_001406766.1, NM_001406767.1, NM_001406770.1); c.867+1273C>T (NM_001406772.1, NM_001406769.1); c.626-2565C>T (NM_001406773.1, NM_001406771.1); c.625+3837C>T (NM_001406782.1, NM_001406780.1, NM_001406779.1 and 3 more transcripts); c.738+1273C>T (NM_001406774.1); and 5 more; short protein forms P224S, P320S, P66S, P277S.
Identifiers: ClinVar variation 2772874 (VCV002772874.4), dbSNP rs2538403940, ClinGen allele CA376546099.
Genomic context (GRCh38, chr10:43,106,466, plus strand): 5'-GATGCAGACGTGGTACCTGCATCAGGGGAGCTGGTGAGGCGGTACACAAGCACGCTGCTC[C>T]CCGGGGACACCTGGGCCCAGCAGACCTTCCGGGTGGAACACTGGCCCAACGAGACCTCGG-3'
Protein context (NP_066124.1, residues 310-330): LVRRYTSTLL[Pro320Ser]GDTWAQQTFR